The following is an entry in ClinVar:

NM_004960.4(FUS):c.530A>G (p.Tyr177Cys)

Gene: FUS (FUS RNA binding protein; plus strand). Cytogenetic location: 16p11.2.
Variant type: single nucleotide variant.
Coding change: c.530A>G on transcript NM_004960.4 (MANE Select); coding-DNA position 530, A replaced by G.
Protein change: p.Tyr177Cys; replaces tyrosine 177 with cysteine.
Molecular consequence: missense variant. On other transcripts: non-coding transcript variant (1).
Genome position (GRCh38, 1-based): chr16:31,184,945, A>G. VCF-style: chr16-31184945-A-G. GRCh37 (hg19) VCF-style: chr16-31196266-A-G.
Other names: c.527A>G, p.Tyr176Cys (NM_001170634.1); c.518A>G, p.Tyr173Cys (NM_001170937.1); short protein forms Y173C, Y176C, Y177C.
Identifiers: ClinVar variation 3751954 (VCV003751954.2).

ClinVar aggregate classification (germline): Uncertain significance (1 of 4 stars; one submission).

Conditions:
Amyotrophic lateral sclerosis type 6. Also called: FUS-Related Amyotrophic Laterial Sclerosis; AMYOTROPHIC LATERAL SCLEROSIS 6 WITHOUT FRONTOTEMPORAL DEMENTIA; Amyotrophic lateral sclerosis 6, with or without frontotemporal dementia. Identifiers: Orphanet 275872, Orphanet 803, MedGen C2931786, MONDO:0011951, OMIM 608030.
Tremor, hereditary essential, 4 (ETM4). Identifiers: MedGen C3539195, MONDO:0013888, OMIM 614782.

gnomAD v4.1: 30 of 1,612,584 alleles (0.0019%); highest among the groups gnomAD compares: African/African-American, 0.031%; no homozygotes.

Submission:

Labcorp Genetics (formerly Invitae), Labcorp
Classification: Uncertain significance for Tremor, hereditary essential, 4; Amyotrophic lateral sclerosis type 6. Last evaluated: 2024-11-24. Review status: criteria provided, single submitter. Criteria: Invitae Variant Classification Sherloc (09022015). Collection method: clinical testing. Allele origin: germline.
Comment: This sequence change replaces tyrosine, which is neutral and polar, with cysteine, which is neutral and slightly polar, at codon 177 of the FUS protein (p.Tyr177Cys). This variant is present in population databases (rs113216743, gnomAD 0.03%). This variant has not been reported in the literature in individuals affected with FUS-related conditions. Experimental studies and prediction algorithms are not available or were not evaluated, and the functional significance of this variant is currently unknown. In summary, the available evidence is currently insufficient to determine the role of this variant in disease. Therefore, it has been classified as a Variant of Uncertain Significance.